The following is an entry in ClinVar:

ClinVar aggregate classification (germline): Uncertain significance (1 of 4 stars; one submission).

Conditions:
Hypertrophic cardiomyopathy. Also called: HYPERTROPHIC MYOCARDIOPATHY. Identifiers: Orphanet 217569, MedGen C0007194, MeSH D002312, MONDO:0005045, HP:0001639.

Submission:

Labcorp Genetics (formerly Invitae), Labcorp
Classification: Uncertain significance for Hypertrophic cardiomyopathy. Last evaluated: 2022-08-24. Review status: criteria provided, single submitter. Criteria: Invitae Variant Classification Sherloc (09022015). Collection method: clinical testing. Allele origin: germline.
Comment: This variant is a gross deletion of the genomic region encompassing exon(s) 40 of the MYH7 gene, which includes the termination codon. This deletion extends beyond the assayed region for this gene and therefore may encompass additional genes. While this deletion is not anticipated to lead to nonsense mediated decay, it is expected to alter mRNA translation or result in a truncated protein product. A similar copy number variant has been observed in individual(s) with hypertrophic cardiomyopathy (PMID: 1361491). In summary, the available evidence is currently insufficient to determine the role of this variant in disease. Therefore, it has been classified as a Variant of Uncertain Significance.

Literature cited by the submitters: PubMed 1361491.

NC_000014.8:g.(?_23882063)_(23882100_?)del

Gene: MYH7 (myosin heavy chain 7; minus strand). Cytogenetic location: 14q11.2.
Variant type: Deletion.
Identifiers: ClinVar variation 2422695 (VCV002422695.3).